The following is an entry in ClinVar:

ClinVar aggregate classification (germline): Pathogenic. Review status: criteria provided, multiple submitters, no conflicts (2 of 4 stars). 4 submissions from 4 submitters: Pathogenic (4). Last evaluated 2026-01-21.

Conditions:
Osteogenesis imperfecta with normal sclerae, dominant form (OI4). Also called: Osteogenesis Imperfecta Type IV; OSTEOGENESIS IMPERFECTA WITH NORMAL SCLERAE; Osteogenesis imperfecta type 4; OSTEOGENESIS IMPERFECTA, TYPE IV, WITH DENTINOGENESIS IMPERFECTA; Common Variable Osteogenesis Imperfecta with Normal Sclerae. Identifiers: Orphanet 216820, Orphanet 666, MedGen C0268363, MONDO:0008148, OMIM 166220.
Osteogenesis imperfecta type I (OI1). Also called: OI, TYPE I; OSTEOGENESIS IMPERFECTA TARDA; OSTEOGENESIS IMPERFECTA WITH BLUE SCLERAE; Osteogenesis imperfecta type 1; Lobstein disease; Lobstein's Disease. Identifiers: Orphanet 216796, Orphanet 666, MedGen C0023931, MONDO:0008146, OMIM 166200. Disease mechanism: loss of function.
COL1A1-related disorder. Also called: COL1A1- related disease; COL1A1-related condition.

Submissions (4):

3billion
Classification: Pathogenic for COL1A1-related disorder. Last evaluated: 2026-01-21. Review status: criteria provided, single submitter. Criteria: ACMG Guidelines, 2015. Collection method: clinical testing. Allele origin: germline. Affected: yes.
Comment: The variant is not observed in the gnomAD v4.1.0 dataset. Predicted Consequence/Location: Frameshift: predicted to result in a loss or disruption of normal protein function through nonsense-mediated decay (NMD) or protein truncation. Multiple pathogenic variants are reported downstream of the variant. The variant has been reported at least twice as pathogenic without evidence for the classification (ClinVar ID: VCV000637038 /PMID: 11317364). Therefore, this variant is classified as Pathogenic according to the recommendation of ACMG/AMP guideline.

Labcorp Genetics (formerly Invitae), Labcorp
Classification: Pathogenic for Osteogenesis imperfecta type I. Last evaluated: 2025-01-30. Review status: criteria provided, single submitter. Criteria: Invitae Variant Classification Sherloc (09022015). Collection method: clinical testing. Allele origin: germline.
Comment: This sequence change creates a premature translational stop signal (p.Gly842Alafs*266) in the COL1A1 gene. It is expected to result in an absent or disrupted protein product. Loss-of-function variants in COL1A1 are known to be pathogenic (PMID: 7942841, 9295084, 9443882). This variant is not present in population databases (gnomAD no frequency). This premature translational stop signal has been observed in individuals with osteogenesis imperfecta (PMID: 11317364, 26627451, 27509835, 27519266). ClinVar contains an entry for this variant (Variation ID: 637038). For these reasons, this variant has been classified as Pathogenic.

PreventionGenetics, part of Exact Sciences
Classification: Pathogenic for COL1A1-related condition. Last evaluated: 2023-06-04. Review status: criteria provided, single submitter. Criteria: ACMG Guidelines, 2015. Collection method: clinical testing. Allele origin: germline.
Comment: The COL1A1 c.2523delT variant is predicted to result in a frameshift and premature protein termination (p.Gly842Alafs*266). This variant has been reported in multiple individuals with osteogenesis imperfecta, often described as having a mild to moderate phenotype (Ward et al. 2001. PubMed ID: 11317364; Supplemental Table 1 in Bardai et al. 2016. PubMed ID: 27509835; Trancozo et al. 2019. PubMed ID: 31429852; Zhytnik et al. 2020. PubMed ID: 32166892). This variant has not been reported in a large population database, indicating this variant is rare. Frameshift variants in COL1A1 are expected to be pathogenic. Given the evidence, we interpret c.2523del (p.Gly842Alafs*266) as pathogenic.

Laboratory of Medical Genetics, National & Kapodistrian University of Athens
Classification: Pathogenic for Osteogenesis imperfecta with normal sclerae, dominant form. Last evaluated: 2018-04-24. Review status: criteria provided, single submitter. Criteria: ACMG Guidelines, 2015. Collection method: clinical testing. Allele origin: de novo. Affected: yes.
Comment: PVS1,PM2,PP2

Literature cited by the submitters: PubMed 11317364 (cited by 3billion and Labcorp Genetics (formerly Invitae), Labcorp); PubMed 7942841 (cited by Labcorp Genetics (formerly Invitae), Labcorp); PubMed 9295084 (cited by Labcorp Genetics (formerly Invitae), Labcorp); PubMed 9443882 (cited by Labcorp Genetics (formerly Invitae), Labcorp); PubMed 26627451 (cited by Labcorp Genetics (formerly Invitae), Labcorp); PubMed 27509835 (cited by Labcorp Genetics (formerly Invitae), Labcorp); PubMed 27519266 (cited by Labcorp Genetics (formerly Invitae), Labcorp).

NM_000088.4(COL1A1):c.2523del (p.Gly842fs)

Gene: COL1A1 (collagen type I alpha 1 chain; minus strand). Cytogenetic location: 17q21.33.
Variant type: Deletion.
Coding change: c.2523del on transcript NM_000088.4 (MANE Select); coding-DNA position 2523, one base deleted (T; older notation c.2523delT).
Protein change: p.Gly842fs; shifts the reading frame from glycine 842.
Molecular consequence: frameshift variant.
Genome position (GRCh38, 1-based): chr17:50,190,037, A deleted on the plus strand (T on the coding strand, the reverse complement: COL1A1 is on the minus strand). VCF-style (leftmost placement, unchanged base first): chr17-50190036-CA-C. GRCh37 (hg19) VCF-style: chr17-48267397-CA-C.
Other names: c.2523delT (NM_000088.3); short protein forms G842fs.
Identifiers: ClinVar variation 637038 (VCV000637038.13), dbSNP rs72653133, ClinGen allele CA291543299.
Genomic context (GRCh38, chr17:50,190,036, plus strand): 5'-GGGCACAGAGGGCCAAGCCACTCACAATGGGGCCAGGGGGTCCAGCGGGTCCGGCAGGGC[CA>C]GGGGGACCAGCATCGCCTTTAGCACCAGCATCACCAGGTTCGCCTTTAGCACCAGGTTGG-3'